The following is an entry in ClinVar:

NM_001035.3(RYR2):c.4672G>A (p.Gly1558Arg)

Gene: RYR2 (ryanodine receptor 2; plus strand). Cytogenetic location: 1q43.
Variant type: single nucleotide variant.
Coding change: c.4672G>A on transcript NM_001035.3 (MANE Select); coding-DNA position 4672, G replaced by A.
Protein change: p.Gly1558Arg; replaces glycine 1558 with arginine.
Molecular consequence: missense variant.
Genome position (GRCh38, 1-based): chr1:237,602,100, G>A. VCF-style: chr1-237602100-G-A. GRCh37 (hg19) VCF-style: chr1-237765400-G-A.
Other names: short protein forms G1558R.
Identifiers: ClinVar variation 2568264 (VCV002568264.2), dbSNP rs1419682085, ClinGen allele CA073230.

ClinVar aggregate classification (germline): Uncertain significance (1 of 4 stars; one submission).

Conditions:
Cardiovascular phenotype. Identifiers: MedGen CN230736.

Allele frequency attached by ClinVar (database versions not stated): TOPMed below 0.00001; gnomAD 0.00001.
gnomAD v4.1: 1 of 1,611,730 alleles (0.000062%); highest among the groups gnomAD compares: African/African-American, 0.0013%; no homozygotes.

Submission:

Ambry Genetics
Classification: Uncertain significance for Cardiovascular phenotype. Last evaluated: 2023-05-03. Review status: criteria provided, single submitter. Criteria: Ambry Variant Classification Scheme 2023. Collection method: clinical testing. Allele origin: germline.
Comment: The p.G1558R variant (also known as c.4672G>A), located in coding exon 35 of the RYR2 gene, results from a G to A substitution at nucleotide position 4672. The glycine at codon 1558 is replaced by arginine, an amino acid with dissimilar properties. This amino acid position is highly conserved in available vertebrate species. In addition, the in silico prediction for this alteration is inconclusive. Since supporting evidence is limited at this time, the clinical significance of this alteration remains unclear.